The following is an entry in ClinVar:

ClinVar aggregate classification (germline): Likely pathogenic (1 of 4 stars; one submission).

Conditions:
Asphyxiating thoracic dystrophy 3. Also called: POLYDACTYLY WITH NEONATAL CHONDRODYSTROPHY, TYPE I; SHORT-RIB THORACIC DYSPLASIA 3/6 WITH POLYDACTYLY, DIGENIC; SHORT-RIB THORACIC DYSPLASIA 3 WITH OR WITHOUT POLYDACTYLY; Saldino-Noonan Syndrome; Short rib polydactyly syndrome 2B. Identifiers: Orphanet 474, Orphanet 93269, Orphanet 93270, Orphanet 93271, MedGen C0036069, MONDO:0013127, OMIM 613091.

Submission:

Juno Genomics, Hangzhou Juno Genomics, Inc
Classification: Likely pathogenic for Asphyxiating thoracic dystrophy 3. Review status: criteria provided, single submitter. Criteria: ACMG Guidelines, 2015. Collection method: clinical testing. Allele origin: germline.
Comment: Null variant in a gene where loss of function (LOF) is a known mechanism of disease.;Absent from controls (or at extremely low frequency if recessive) in Genome Aggregation Database.

NM_001377.3(DYNC2H1):c.11030del (p.Val3677fs)

Gene: DYNC2H1 (dynein cytoplasmic 2 heavy chain 1; plus strand). Cytogenetic location: 11q22.3.
Variant type: Deletion.
Coding change: c.11030del on transcript NM_001377.3 (MANE Select); coding-DNA position 11030, one base deleted (T; older notation c.11030delT).
Protein change: p.Val3677fs; shifts the reading frame from valine 3677.
Molecular consequence: frameshift variant.
Genome position (GRCh38, 1-based): chr11:103,287,540, T deleted. VCF-style (leftmost placement, unchanged base first): chr11-103287539-GT-G. GRCh37 (hg19) VCF-style: chr11-103158268-GT-G.
Other names: c.11051del, p.Val3684fs (NM_001080463.2); short protein forms V3677fs, V3684fs.
Identifiers: ClinVar variation 5037958 (VCV005037958.2).
Genomic context (GRCh38, chr11:103,287,539, plus strand): 5'-TAAAGTAGTTGCAGCAACTTTATTCTTTAAAAATATTCTGCATTTTATTTTAAGATTCTT[GT>G]AGTACAGGCGCTAAGACCGGACAGATTGCAAAGTGCCATGGCTCTTTTTGCATGTAAAAC-3'